The following is an entry in ClinVar:

NM_014516.4(CNOT3):c.1941del (p.Tyr648fs)

Gene: CNOT3 (CCR4-NOT transcription complex subunit 3; plus strand). Cytogenetic location: 19q13.42.
Variant type: Deletion.
Coding change: c.1941del on transcript NM_014516.4 (MANE Select); coding-DNA position 1941, one base deleted (C; older notation c.1941delC).
Protein change: p.Tyr648fs; shifts the reading frame from tyrosine 648.
Molecular consequence: frameshift variant. On other transcripts: non-coding transcript variant (2).
Genome position (GRCh38, 1-based): chr19:54,152,903, C deleted; the last of 6 consecutive C bases (chr19:54,152,898-54,152,903); deleting any one gives the same sequence. VCF-style (leftmost placement, unchanged base first): chr19-54152897-GC-G. GRCh37 (hg19) VCF-style: chr19-54656634-GC-G.
Other names: c.1944del, p.Tyr649fs (NM_001440653.1, NM_001440655.1, NM_001440657.1 and 3 more transcripts); c.1941del, p.Tyr648fs (NM_001440654.1, NM_001440656.1, NM_001440658.1 and 1 more transcripts); c.1398del, p.Tyr467fs (NM_001440659.1, NM_001440660.1); short protein forms Y467fs, Y648fs, Y649fs.
Identifiers: ClinVar variation 5016818 (VCV005016818.1).

ClinVar aggregate classification (germline): Pathogenic (1 of 4 stars; one submission).

Submission:

GeneDx
Classification: Pathogenic. Last evaluated: 2026-03-27. Review status: criteria provided, single submitter. Criteria: GeneDx Variant Classification Process June 2021. Collection method: clinical testing. Allele origin: germline.
Comment: Frameshift variant predicted to result in protein truncation or nonsense mediated decay in a gene for which loss of function is a known mechanism of disease; Not observed at significant frequency in large population cohorts (gnomAD); Has not been previously published as pathogenic or benign to our knowledge